The following is an entry in ClinVar:

ClinVar aggregate classification (germline): Uncertain significance (1 of 4 stars; one submission).

Conditions:
Neurodevelopmental disorder with hypotonia, dysmorphic facies, and skeletal anomalies, with or without seizures (NEDFSS). Also called: TRPM3-Related Neurodevelopmental Disorder. Identifiers: MedGen C5830244, MONDO:0859365, OMIM 620224.

Submission:

Juno Genomics, Hangzhou Juno Genomics, Inc
Classification: Uncertain significance for Neurodevelopmental disorder with hypotonia, dysmorphic facies, and skeletal anomalies, with or without seizures. Review status: criteria provided, single submitter. Criteria: ACMG Guidelines, 2015. Collection method: clinical testing. Allele origin: germline.
Comment: Absent from controls (or at extremely low frequency if recessive) in Genome Aggregation Database.;Missense variant in a gene that has a low rate of benign missense variation.

NM_001366145.2(TRPM3):c.2419G>T (p.Asp807Tyr)

Gene: TRPM3 (transient receptor potential cation channel subfamily M member 3; minus strand). Cytogenetic location: 9q21.12.
Variant type: single nucleotide variant.
Coding change: c.2419G>T on transcript NM_001366145.2 (MANE Select); coding-DNA position 2419, G replaced by T.
Protein change: p.Asp807Tyr; replaces aspartic acid 807 with tyrosine.
Molecular consequence: missense variant.
Genome position (GRCh38, 1-based): chr9:70,616,015, C>A on the plus strand (G>T on the coding strand, the complement: TRPM3 is on the minus strand). VCF-style: chr9-70616015-C-A. GRCh37 (hg19) VCF-style: chr9-73230931-C-A.
Other names: c.2383G>T, p.Asp795Tyr (NM_001007471.4, NM_001366151.2); c.2389G>T, p.Asp797Tyr (NM_001366141.2, NM_001366143.2, NM_001366149.2); c.2425G>T, p.Asp809Tyr (NM_001366142.2); c.2419G>T, p.Asp807Tyr (NM_001366146.2); c.2494G>T, p.Asp832Tyr (NM_001366147.2, NM_001366152.2); c.2464G>T, p.Asp822Tyr (NM_001366148.2); c.2353G>T, p.Asp785Tyr (NM_001366150.2); c.1960G>T, p.Asp654Tyr (NM_001366154.2, NM_024971.7); and 5 more; short protein forms D644Y, D654Y, D642Y, D785Y, D797Y, D809Y, D632Y, D795Y.
Identifiers: ClinVar variation 5007460 (VCV005007460.2).